The following is an entry in ClinVar:

ClinVar aggregate classification (germline): Uncertain significance (1 of 4 stars; one submission).

Allele frequency attached by ClinVar (database versions not stated): gnomAD exomes below 0.00001; ExAC 0.00001; TOPMed 0.00001.

Submission:

Labcorp Genetics (formerly Invitae), Labcorp
Classification: Uncertain significance. Last evaluated: 2022-04-13. Review status: criteria provided, single submitter. Criteria: Invitae Variant Classification Sherloc (09022015). Collection method: clinical testing. Allele origin: germline.
Comment: This sequence change replaces methionine, which is neutral and non-polar, with threonine, which is neutral and polar, at codon 239 of the MYO5B protein (p.Met239Thr). This variant is present in population databases (rs772882127, gnomAD 0.003%). This variant has not been reported in the literature in individuals affected with MYO5B-related conditions. Algorithms developed to predict the effect of missense changes on protein structure and function are either unavailable or do not agree on the potential impact of this missense change (SIFT: "Deleterious"; PolyPhen-2: "Probably Damaging"; Align-GVGD: "Class C0"). In summary, the available evidence is currently insufficient to determine the role of this variant in disease. Therefore, it has been classified as a Variant of Uncertain Significance.

NM_001080467.3(MYO5B):c.716T>C (p.Met239Thr)

Gene: MYO5B (myosin VB; minus strand). Cytogenetic location: 18q21.1.
Variant type: single nucleotide variant.
Coding change: c.716T>C on transcript NM_001080467.3 (MANE Select); coding-DNA position 716, T replaced by C.
Protein change: p.Met239Thr; replaces methionine 239 with threonine.
Molecular consequence: missense variant.
Genome position (GRCh38, 1-based): chr18:49,992,328, A>G on the plus strand (T>C on the coding strand, the complement: MYO5B is on the minus strand). VCF-style: chr18-49992328-A-G. GRCh37 (hg19) VCF-style: chr18-47518698-A-G.
Other names: short protein forms M239T.
Identifiers: ClinVar variation 1967633 (VCV001967633.2), dbSNP rs772882127, ClinGen allele CA8961808.